The following is an entry in ClinVar:

ClinVar aggregate classification (germline): Uncertain significance (1 of 4 stars; one submission).

Submission:

GeneDx
Classification: Uncertain significance. Last evaluated: 2024-04-26. Review status: criteria provided, single submitter. Criteria: GeneDx Variant Classification Process June 2021. Collection method: clinical testing. Allele origin: germline. Affected: yes.
Comment: Not observed at significant frequency in large population cohorts (gnomAD); In silico analysis supports that this missense variant has a deleterious effect on protein structure/function; Has not been previously published as pathogenic or benign to our knowledge

NM_018990.4(SASH3):c.566A>C (p.Tyr189Ser)

Gene: SASH3 (SAM and SH3 domain containing 3; plus strand). Cytogenetic location: Xq26.1.
Variant type: single nucleotide variant.
Coding change: c.566A>C on transcript NM_018990.4 (MANE Select); coding-DNA position 566, A replaced by C.
Protein change: p.Tyr189Ser; replaces tyrosine 189 with serine.
Molecular consequence: missense variant.
Genome position (GRCh38, 1-based): chrX:129,792,451, A>C. VCF-style: chrX-129792451-A-C. GRCh37 (hg19) VCF-style: chrX-128926427-A-C.
Other names: short protein forms Y189S.
Identifiers: ClinVar variation 3373179 (VCV003373179.1).